The following is an entry in ClinVar:

NM_002528.7(NTHL1):c.-3G>A

Gene: NTHL1 (nth like DNA glycosylase 1; minus strand). Cytogenetic location: 16p13.3.
Variant type: single nucleotide variant.
Coding change: c.-3G>A on transcript NM_002528.7 (MANE Select); 3 bases upstream of the start codon, G replaced by A.
Molecular consequence: 5 prime UTR variant.
Genome position (GRCh38, 1-based): chr16:2,047,826, C>T on the plus strand (G>A on the coding strand, the complement: NTHL1 is on the minus strand). VCF-style: chr16-2047826-C-T. GRCh37 (hg19) VCF-style: chr16-2097827-C-T.
Other names: c.-3G>A (NM_001318193.2); c.-181G>A (NM_001318194.2).
Identifiers: ClinVar variation 861840 (VCV000861840.10), dbSNP rs751927624, ClinGen allele CA394298767.

ClinVar aggregate classification (germline): Uncertain significance. Review status: criteria provided, multiple submitters, no conflicts (2 of 4 stars). 2 submissions from 2 submitters: Uncertain significance (2). Last evaluated 2022-09-19.

Conditions:
Hereditary cancer-predisposing syndrome. Also called: Tumor predisposition; Hereditary neoplastic syndrome; Neoplastic Syndromes, Hereditary; Hereditary Cancer Syndrome. Identifiers: Orphanet 140162, MedGen C0027672, MeSH D009386, MONDO:0015356.

Allele frequency attached by ClinVar (database versions not stated): TOPMed 0.00001.

Submissions (2):

Ambry Genetics
Classification: Uncertain significance for Hereditary cancer-predisposing syndrome. Last evaluated: 2022-09-19. Review status: criteria provided, single submitter. Criteria: Ambry Variant Classification Scheme 2023. Collection method: clinical testing. Allele origin: germline.
Comment: The p.G8S variant (also known as c.22G>A), located in coding exon 1 of the NTHL1 gene, results from a G to A substitution at nucleotide position 22. The glycine at codon 8 is replaced by serine, an amino acid with similar properties. This amino acid position is conserved. In addition, this alteration is predicted to be tolerated by in silico analysis. Since supporting evidence is limited at this time, the clinical significance of this alteration remains unclear.

Labcorp Genetics (formerly Invitae), Labcorp
Classification: Uncertain significance. Last evaluated: 2019-01-25. Review status: criteria provided, single submitter. Criteria: Invitae Variant Classification Sherloc (09022015). Collection method: clinical testing. Allele origin: germline.
Comment: In summary, the available evidence is currently insufficient to determine the role of this variant in disease. Therefore, it has been classified as a Variant of Uncertain Significance. Algorithms developed to predict the effect of missense changes on protein structure and function output the following: SIFT: "Tolerated"; PolyPhen-2: "Benign"; Align-GVGD: "Class C0". The serine amino acid residue is found in multiple mammalian species, suggesting that this missense change does not adversely affect protein function. These predictions have not been confirmed by published functional studies and their clinical significance is uncertain. This variant has not been reported in the literature in individuals with NTHL1-related conditions. This variant is not present in population databases (ExAC no frequency). This sequence change replaces glycine with serine at codon 8 of the NTHL1 protein (p.Gly8Ser). The glycine residue is weakly conserved and there is a small physicochemical difference between glycine and serine.